The following is an entry in ClinVar:

NM_001048174.2(MUTYH):c.914-7T>A

Gene: MUTYH (mutY DNA glycosylase; minus strand). Cytogenetic location: 1p34.1.
Variant type: single nucleotide variant.
Coding change: c.914-7T>A on transcript NM_001048174.2 (MANE Select); 7 bases into the intron before coding-DNA position 914, T replaced by A.
Molecular consequence: intron variant.
Genome position (GRCh38, 1-based): chr1:45,331,856, A>T on the plus strand (T>A on the coding strand, the complement: MUTYH is on the minus strand). VCF-style: chr1-45331856-A-T. GRCh37 (hg19) VCF-style: chr1-45797528-A-T.
Other names: c.569-7T>A (NM_001350651.2, NM_001350650.2); c.638-7T>A (NM_001293192.2, NM_001293196.2); c.914-7T>A (NM_001048171.2, NM_001048173.2, NM_001293195.2); c.959-7T>A (NM_001293190.2); c.989-7T>A (NM_012222.3); c.998-7T>A (NM_001128425.2); c.917-7T>A (NM_001048172.2); c.947-7T>A (NM_001293191.2).
Identifiers: ClinVar variation 1037055 (VCV001037055.8), dbSNP rs1644941284, ClinGen allele CA2473712445.

ClinVar aggregate classification (germline): Uncertain significance (1 of 4 stars; one submission).

Conditions:
Familial adenomatous polyposis 2. Also called: Adenomas, multiple colorectal; MUTYH Polyposis; COLORECTAL ADENOMATOUS POLYPOSIS, AUTOSOMAL RECESSIVE; ADENOMAS, MULTIPLE COLORECTAL, AUTOSOMAL RECESSIVE; FAP type 2; MUTYH-associated polyposis. Identifiers: Orphanet 220460, Orphanet 247798, MedGen C3272841, MONDO:0012041, OMIM 608456.

Submission:

Labcorp Genetics (formerly Invitae), Labcorp
Classification: Uncertain significance for Familial adenomatous polyposis 2. Last evaluated: 2020-03-02. Review status: criteria provided, single submitter. Criteria: Invitae Variant Classification Sherloc (09022015). Collection method: clinical testing. Allele origin: germline.
Comment: This variant has not been reported in the literature in individuals with MUTYH-related conditions. This variant is not present in population databases (ExAC no frequency). This sequence change falls in intron 11 of the MUTYH gene. It does not directly change the encoded amino acid sequence of the MUTYH protein. Algorithms developed to predict the effect of sequence changes on RNA splicing suggest that this variant may disrupt the consensus splice site, but this prediction has not been confirmed by published transcriptional studies. In summary, the available evidence is currently insufficient to determine the role of this variant in disease. Therefore, it has been classified as a Variant of Uncertain Significance.